The following is an entry in ClinVar:

NM_023110.3(FGFR1):c.2428C>T (p.His810Tyr)

Gene: FGFR1 (fibroblast growth factor receptor 1; minus strand). Cytogenetic location: 8p11.23.
Variant type: single nucleotide variant.
Coding change: c.2428C>T on transcript NM_023110.3 (MANE Select); coding-DNA position 2428, C replaced by T.
Protein change: p.His810Tyr; replaces histidine 810 with tyrosine.
Molecular consequence: missense variant. On other transcripts: intron variant (3).
Genome position (GRCh38, 1-based): chr8:38,413,669, G>A on the plus strand (C>T on the coding strand, the complement: FGFR1 is on the minus strand). VCF-style: chr8-38413669-G-A. GRCh37 (hg19) VCF-style: chr8-38271187-G-A.
Other names: c.2422C>T, p.His808Tyr (NM_001174063.2, NM_001174065.2, NM_015850.4); c.2398C>T, p.His800Tyr (NM_001174064.2); c.2161C>T, p.His721Tyr (NM_001174066.2, NM_023105.3); c.2521C>T, p.His841Tyr (NM_001174067.2); c.2149C>T, p.His717Tyr (NM_001354368.2); c.2155C>T, p.His719Tyr (NM_023106.3); c.2019+249C>T (NM_001354370.2); c.2286+249C>T (NM_001354367.2); and 1 more; short protein forms H717Y, H719Y, H721Y, H800Y, H808Y, H810Y, H841Y.
Identifiers: ClinVar variation 1302903 (VCV001302903.7), dbSNP rs759376422, ClinGen allele CA370726777.
Genomic context (GRCh38, chr8:38,413,669, plus strand): 5'-GAGGGCGTGTGGGTGGCAGTCAGCGGCGTTTGAGTCCGCCATTGGCAAGCTGGGCTGGGT[G>A]TCGGGGCAGGCAGGGCTCCTCGGGCAGCGGCTCATGAGAGAAGACGGAATCCTCCCCTGA-3'
Protein context (NP_075598.2, residues 800-820): PLPEEPCLPR[His810Tyr]PAQLANGGLK

ClinVar aggregate classification (germline): Conflicting classifications of pathogenicity. Review status: criteria provided, conflicting classifications (1 of 4 stars). 4 submissions from 4 submitters: Uncertain significance (2); Likely benign (2). Last evaluated 2026-06-01.

Conditions:
Hypogonadotropic hypogonadism 2 with or without anosmia (HH2). Also called: HYPOGONADOTROPIC HYPOGONADISM 2 WITHOUT ANOSMIA; HYPOGONADOTROPIC HYPOGONADISM 2 WITH OR WITHOUT ANOSMIA, SUSCEPTIBILITY TO; HYPOGONADOTROPIC HYPOGONADISM 2 WITHOUT ANOSMIA, SUSCEPTIBILITY TO; FGFR1-Related GnRH Deficiency (Kallmann Syndrome 2). Identifiers: Orphanet 478, MedGen C1563720, MONDO:0007844, OMIM 147950. Disease mechanism: loss of function.
Pfeiffer syndrome (ACS5). Also called: ACS V. Identifiers: Orphanet 710, MedGen C0220658, MONDO:0007043, OMIM 101600.
Trigonocephaly 1 (TRIGNO1). Identifiers: Orphanet 3366, MedGen C0432122, MONDO:0008603, OMIM 190440.
Encephalocraniocutaneous lipomatosis (ECCL). Identifiers: Orphanet 2396, MedGen C0406612, MONDO:0013074, OMIM 613001.
Jackson-Weiss syndrome (JWS). Also called: CRANIOSYNOSTOSIS, MIDFACIAL HYPOPLASIA, AND FOOT ABNORMALITIES. Identifiers: Orphanet 1540, MedGen C0795998, MONDO:0007400, OMIM 123150. Disease mechanism: loss of function.
Osteoglophonic dysplasia (OGD). Also called: Osteoglophonic dwarfism. Identifiers: Orphanet 2645, MedGen C0432283, MONDO:0008150, OMIM 166250.
Hartsfield-Bixler-Demyer syndrome (HRTFDS). Also called: FGFR1-Related Hartsfield Syndrome; Holoprosencephaly, ectrodactyly, and bilateral cleft lip/palate; Hartsfield syndrome. Identifiers: Orphanet 2117, MedGen C1845146, MONDO:0014196, OMIM 615465. Disease mechanism: loss of function.

Allele frequency attached by ClinVar (database versions not stated): TOPMed 0.00001; gnomAD 0.00004.
gnomAD v4.1: 41 of 1,613,380 alleles (0.0025%); highest among the groups gnomAD compares: Non-Finnish European, 0.0033%; no homozygotes.

Submissions (4):

CeGaT Center for Human Genetics Tuebingen
Classification: Likely benign. Last evaluated: 2026-06-01. Review status: criteria provided, single submitter. Criteria: CeGaT Center For Human Genetics Tuebingen Variant Classification Criteria Version 2. Collection method: clinical testing. Allele origin: germline. Affected: yes. Observed: 1 variant allele.
Comment: FGFR1: BP4, BS2

Labcorp Genetics (formerly Invitae), Labcorp
Classification: Likely benign for Pfeiffer syndrome; Hypogonadotropic hypogonadism 2 with or without anosmia. Last evaluated: 2024-04-15. Review status: criteria provided, single submitter. Criteria: Invitae Variant Classification Sherloc (09022015). Collection method: clinical testing. Allele origin: germline.

Fulgent Genetics
Classification: Uncertain significance for Pfeiffer syndrome; Jackson-Weiss syndrome; Hypogonadotropic hypogonadism 2 with or without anosmia; Osteoglophonic dysplasia; Trigonocephaly 1; Encephalocraniocutaneous lipomatosis; Hartsfield-Bixler-Demyer syndrome. Last evaluated: 2021-10-21. Review status: criteria provided, single submitter. Criteria: ACMG Guidelines, 2015. Collection method: clinical testing. Allele origin: unknown.

GeneDx
Classification: Uncertain significance. Last evaluated: 2021-02-10. Review status: criteria provided, single submitter. Criteria: GeneDx Variant Classification Process June 2021. Collection method: clinical testing. Allele origin: germline. Affected: yes.
Comment: In silico analysis supports that this missense variant does not alter protein structure/function; Has not been previously published as pathogenic or benign to our knowledge